The following is an entry in ClinVar:

ClinVar aggregate classification (germline): Uncertain significance. Review status: criteria provided, multiple submitters, no conflicts (2 of 4 stars). 2 submissions from 2 submitters: Uncertain significance (2). Last evaluated 2024-10-15.

Submissions (2):

Labcorp Genetics (formerly Invitae), Labcorp
Classification: Uncertain significance. Last evaluated: 2024-10-15. Review status: criteria provided, single submitter. Criteria: Invitae Variant Classification Sherloc (09022015). Collection method: clinical testing. Allele origin: germline.
Comment: This sequence change results in a frameshift in the TPRKB gene (p.Met140Ilefs*68). While this is not anticipated to result in nonsense mediated decay, it is expected to disrupt the last 36 amino acid(s) of the TPRKB protein and extend the protein by 31 additional amino acid residues. This variant is present in population databases (rs770294576, gnomAD 0.05%). This variant has not been reported in the literature in individuals affected with TPRKB-related conditions. ClinVar contains an entry for this variant (Variation ID: 2577124). In summary, the available evidence is currently insufficient to determine the role of this variant in disease. Therefore, it has been classified as a Variant of Uncertain Significance.

Women's Health and Genetics/Laboratory Corporation of America, LabCorp
Classification: Uncertain significance. Last evaluated: 2023-07-03. Review status: criteria provided, single submitter. Criteria: LabCorp Variant Classification Summary - May 2015. Collection method: clinical testing. Allele origin: germline.
Comment: Variant summary: TPRKB c.420_423delGAAT (p.Met140IlefsX68) causes a frameshift which results in an extension of the protein, however the molecular mechanism of disease attributed to TPRKB is currently unknown. The variant allele was found at a frequency of 5.7e-05 in 228428 control chromosomes (gnomAD). To our knowledge, no occurrence of c.420_423delGAAT in individuals affected with Galloway-Mowat Syndrome 5 and no experimental evidence demonstrating its impact on protein function have been reported. No submitters have cited clinical-significance assessments for this variant to ClinVar after 2014. Based on the evidence outlined above, the variant was classified as uncertain significance.

NM_016058.5(TPRKB):c.420_423del (p.Met140fs)

Gene: TPRKB (TP53RK binding protein; minus strand). Cytogenetic location: 2p13.1.
Variant type: Deletion.
Coding change: c.420_423del on transcript NM_016058.5 (MANE Select); coding-DNA positions 420 to 423, 4 bases deleted (GAAT; older notation c.420_423delGAAT).
Protein change: p.Met140fs; shifts the reading frame from methionine 140.
Molecular consequence: frameshift variant.
Genome position (GRCh38, 1-based): chr2:73,730,578-73,730,581, ATTC deleted on the plus strand (GAAT on the coding strand, the reverse complement: TPRKB is on the minus strand); deleting any 4 consecutive bases within chr2:73,730,578-73,730,584 gives the same sequence; the c. name uses the placement nearest the transcript's 3' end. VCF-style (leftmost placement, unchanged base first): chr2-73730577-TATTC-T. GRCh37 (hg19) VCF-style: chr2-73957704-TATTC-T.
Other names: c.420_423del, p.Met140fs (NM_001330389.2, NM_001330388.2); c.366_369del, p.Met122fs (NM_001330390.2); c.321_324del, p.Met107fs (NM_001330391.2, NM_001330392.2); c.537_540del, p.Met179fs (NM_001330386.2, NM_001330387.2); short protein forms M107fs, M122fs, M140fs, M179fs.
Identifiers: ClinVar variation 2577124 (VCV002577124.3), dbSNP rs770294576, ClinGen allele CA1716373.